The following is an entry in ClinVar:

NM_020975.6(RET):c.2443T>C (p.Phe815Leu)

Gene: RET (ret proto-oncogene; plus strand). Cytogenetic location: 10q11.21.
Variant type: single nucleotide variant.
Coding change: c.2443T>C on transcript NM_020975.6 (MANE Select); coding-DNA position 2443, T replaced by C.
Protein change: p.Phe815Leu; replaces phenylalanine 815 with leucine.
Molecular consequence: missense variant.
Genome position (GRCh38, 1-based): chr10:43,119,581, T>C. VCF-style: chr10-43119581-T-C. GRCh37 (hg19) VCF-style: chr10-43615029-T-C.
Other names: c.2443T>C, p.Phe815Leu (NM_000323.2, NM_001406743.1, NM_001406744.1 and 4 more transcripts); c.1681T>C, p.Phe561Leu (NM_001355216.2); c.2314T>C, p.Phe772Leu (NM_001406761.1, NM_001406762.1, NM_001406764.1); c.2308T>C, p.Phe770Leu (NM_001406763.1, NM_001406765.1); c.2155T>C, p.Phe719Leu (NM_001406766.1, NM_001406767.1, NM_001406770.1); c.2179T>C, p.Phe727Leu (NM_001406768.1); c.2047T>C, p.Phe683Leu (NM_001406769.1, NM_001406772.1); c.2005T>C, p.Phe669Leu (NM_001406771.1, NM_001406773.1); and 10 more; short protein forms F561L, F815L, F380L, F727L, F473L, F573L, F770L, F772L.
Identifiers: ClinVar variation 945018 (VCV000945018.9), dbSNP rs1838156276, ClinGen allele CA376556175.
Genomic context (GRCh38, chr10:43,119,581, plus strand): 5'-CCGCCCCCAGGCCCGCTCCTCCTCATCGTGGAGTACGCCAAATACGGCTCCCTGCGGGGC[T>C]TCCTCCGCGAGAGCCGCAAAGTGGGGCCTGGCTACCTGGGCAGTGGAGGCAGCCGCAACT-3'
Protein context (NP_066124.1, residues 805-825): EYAKYGSLRG[Phe815Leu]LRESRKVGPG

ClinVar aggregate classification (germline): Uncertain significance. Review status: criteria provided, multiple submitters, no conflicts (2 of 4 stars). 2 submissions from 2 submitters: Uncertain significance (2). Last evaluated 2025-06-01.

Conditions:
Hereditary cancer-predisposing syndrome. Also called: Neoplastic Syndromes, Hereditary; Hereditary Cancer Syndrome; Tumor predisposition; Hereditary neoplastic syndrome. Identifiers: Orphanet 140162, MedGen C0027672, MeSH D009386, MONDO:0015356.
Multiple endocrine neoplasia, type 2 (MEN2). Identifiers: Orphanet 653, MedGen C4048306, MONDO:0019003. Disease mechanism: gain of function.

Allele frequency attached by ClinVar (database versions not stated): gnomAD exomes below 0.00001.

Submissions (2):

Labcorp Genetics (formerly Invitae), Labcorp
Classification: Uncertain significance for Multiple endocrine neoplasia, type 2. Last evaluated: 2025-06-01. Review status: criteria provided, single submitter. Criteria: Invitae Variant Classification Sherloc (09022015). Collection method: clinical testing. Allele origin: germline.
Comment: This sequence change replaces phenylalanine, which is neutral and non-polar, with leucine, which is neutral and non-polar, at codon 815 of the RET protein (p.Phe815Leu). This variant is not present in population databases (gnomAD no frequency). This variant has not been reported in the literature in individuals affected with RET-related conditions. ClinVar contains an entry for this variant (Variation ID: 945018). An algorithm developed to predict the effect of missense changes on protein structure and function (PolyPhen-2) suggests that this variant is likely to be disruptive. In summary, the available evidence is currently insufficient to determine the role of this variant in disease. Therefore, it has been classified as a Variant of Uncertain Significance.

Ambry Genetics
Classification: Uncertain significance for Hereditary cancer-predisposing syndrome. Last evaluated: 2025-03-06. Review status: criteria provided, single submitter. Criteria: Ambry Variant Classification Scheme 2023. Collection method: clinical testing. Allele origin: germline.
Comment: The p.F815L variant (also known as c.2443T>C), located in coding exon 14 of the RET gene, results from a T to C substitution at nucleotide position 2443. The phenylalanine at codon 815 is replaced by leucine, an amino acid with highly similar properties. This amino acid position is conserved. In addition, this alteration is predicted to be deleterious by in silico analysis. Based on the available evidence, the clinical significance of this variant remains unclear.